The following is an entry in ClinVar:

NM_017780.4(CHD7):c.961_962delinsTA (p.Gly321Ter)

Gene: CHD7 (chromodomain helicase DNA binding protein 7; plus strand). Cytogenetic location: 8q12.2.
Variant type: Indel.
Coding change: c.961_962delinsTA on transcript NM_017780.4 (MANE Select); coding-DNA positions 961 to 962, GG replaced by TA.
Protein change: p.Gly321Ter; replaces glycine 321 with a stop codon.
Molecular consequence: nonsense.
Genome position (GRCh38, 1-based): chr8:60,742,393-60,742,394, GG replaced by TA. VCF-style: chr8-60742393-GG-TA. GRCh37 (hg19) VCF-style: chr8-61654952-GG-TA.
Other names: c.961_962delGGinsTA (LRG_176t1); c.961_962delinsTA, p.Gly321Ter (NM_001316690.1); short protein forms G321*.
Identifiers: ClinVar variation 419621 (VCV000419621.2), dbSNP rs1064793996, ClinGen allele CA16618653.
Genomic context (GRCh38, chr8:60,742,393, plus strand): 5'-TCTCCTACTATAAACAACTCAGGGCAGTATTCTCGATATCCTTACAGTAACCTAAATCAG[GG>TA]ATTAGTTAACAATACAGGGATGAATCAAAATTTAGGCCTTACAAATAATACTCCAATGAA-3'

ClinVar aggregate classification (germline): Pathogenic (1 of 4 stars; one submission).

Submission:

GeneDx
Classification: Pathogenic. Last evaluated: 2015-09-02. Review status: criteria provided, single submitter. Criteria: GeneDx Variant Classification (06012015). Collection method: clinical testing. Allele origin: germline. Affected: yes.
Comment: The G321X nonsense variant (c.961_962delGGinsTA) in the CHD7 gene has not been reportedpreviously to our knowledge. It is predicted to cause loss of normal protein function either through proteintruncation or nonsense-mediated mRNA decay. Therefore, we interpret the G321X variant as pathogenic.